The following is an entry in ClinVar:

NM_000374.5(UROD):c.100T>A (p.Trp34Arg)

Gene: UROD (uroporphyrinogen decarboxylase; plus strand). Cytogenetic location: 1p34.1.
Variant type: single nucleotide variant.
Coding change: c.100T>A on transcript NM_000374.5 (MANE Select); coding-DNA position 100, T replaced by A.
Protein change: p.Trp34Arg; replaces tryptophan 34 with arginine.
Molecular consequence: missense variant. On other transcripts: non-coding transcript variant (3).
Genome position (GRCh38, 1-based): chr1:45,012,986, T>A. VCF-style: chr1-45012986-T-A. GRCh37 (hg19) VCF-style: chr1-45478658-T-A.
Other names: short protein forms W34R.
Identifiers: ClinVar variation 2143957 (VCV002143957.4), dbSNP rs2522913344, ClinGen allele CA340115862.
Genomic context (GRCh38, chr1:45,012,986, plus strand): 5'-CTGAAGAATGACACATTCCTGCGAGCAGCCTGGGGAGAGGAAACAGACTACACTCCCGTT[T>A]GGTGCATGCGCCAGGCAGGCCGTTACTTACCAGGTAAGAGTCAGGGTCTGGAAATCTAGA-3'
Protein context (NP_000365.3, residues 24-44): WGEETDYTPV[Trp34Arg]CMRQAGRYLP

ClinVar aggregate classification (germline): Likely pathogenic (1 of 4 stars; one submission).

Submission:

Labcorp Genetics (formerly Invitae), Labcorp
Classification: Likely pathogenic. Last evaluated: 2024-11-05. Review status: criteria provided, single submitter. Criteria: Invitae Variant Classification Sherloc (09022015). Collection method: clinical testing. Allele origin: germline.
Comment: This sequence change replaces tryptophan, which is neutral and slightly polar, with arginine, which is basic and polar, at codon 34 of the UROD protein (p.Trp34Arg). This variant is not present in population databases (gnomAD no frequency). This missense change has been observed in individuals with porphyria cutanea tarda (PMID: 19233912). ClinVar contains an entry for this variant (Variation ID: 2143957). Invitae Evidence Modeling of protein sequence and biophysical properties (such as structural, functional, and spatial information, amino acid conservation, physicochemical variation, residue mobility, and thermodynamic stability) indicates that this missense variant is expected to disrupt UROD protein function with a positive predictive value of 80%. In summary, the currently available evidence indicates that the variant is pathogenic, but additional data are needed to prove that conclusively. Therefore, this variant has been classified as Likely Pathogenic.

Literature cited by the submitters: PubMed 19233912.